The following is an entry in ClinVar:

NM_001035.3(RYR2):c.2506C>A (p.His836Asn)

Gene: RYR2 (ryanodine receptor 2; plus strand). Cytogenetic location: 1q43.
Variant type: single nucleotide variant.
Coding change: c.2506C>A on transcript NM_001035.3 (MANE Select); coding-DNA position 2506, C replaced by A.
Protein change: p.His836Asn; replaces histidine 836 with asparagine.
Molecular consequence: missense variant.
Genome position (GRCh38, 1-based): chr1:237,503,398, C>A. VCF-style: chr1-237503398-C-A. GRCh37 (hg19) VCF-style: chr1-237666698-C-A.
Other names: c.2506C>A (NM_001035.2); short protein forms H836N.
Identifiers: ClinVar variation 1040268 (VCV001040268.16), dbSNP rs760544949, ClinGen allele CA086062.

ClinVar aggregate classification (germline): Uncertain significance. Review status: criteria provided, multiple submitters, no conflicts (2 of 4 stars). 4 submissions from 4 submitters: Uncertain significance (4). Last evaluated 2025-05-19.

Conditions:
Cardiovascular phenotype. Identifiers: MedGen CN230736.
Cardiomyopathy (CMYO). Also called: Cardiomyopathies. Identifiers: Orphanet 167848, MedGen C0878544, MONDO:0004994, HP:0001638. Inheritance: Various modes of inheritance.
Catecholaminergic polymorphic ventricular tachycardia (CVPT). Also called: Catecholamine-induced polymorphic ventricular tachycardia. Identifiers: Orphanet 3286, MedGen C5574922, MONDO:0017990.
Catecholaminergic polymorphic ventricular tachycardia 1. Also called: VENTRICULAR TACHYCARDIA, CATECHOLAMINERGIC POLYMORPHIC, 1, WITH OR WITHOUT ATRIAL DYSFUNCTION AND/OR DILATED CARDIOMYOPATHY; VENTRICULAR TACHYCARDIA, STRESS-INDUCED POLYMORPHIC 1; RYR2-Related Catecholaminergic Polymorphic Ventricular Tachycardia. Identifiers: Orphanet 3286, MedGen C1631597, MONDO:0011484, OMIM 604772.

Allele frequency attached by ClinVar (database versions not stated): ExAC 0.00001; TOPMed 0.00001; gnomAD 0.00002 and 0.00003; 1000 Genomes Project 30x 0.00031.
gnomAD v4.1: 9 of 1,613,918 alleles (0.00056%); highest among the groups gnomAD compares: Non-Finnish European, 0.00076%; no homozygotes.

Submissions (4):

Labcorp Genetics (formerly Invitae), Labcorp
Classification: Uncertain significance for Catecholaminergic polymorphic ventricular tachycardia 1. Last evaluated: 2025-05-19. Review status: criteria provided, single submitter. Criteria: Invitae Variant Classification Sherloc (09022015). Collection method: clinical testing. Allele origin: germline.
Comment: This sequence change replaces histidine, which is basic and polar, with asparagine, which is neutral and polar, at codon 836 of the RYR2 protein (p.His836Asn). This variant is present in population databases (rs760544949, gnomAD 0.002%). This variant has not been reported in the literature in individuals affected with RYR2-related conditions. ClinVar contains an entry for this variant (Variation ID: 1040268). Invitae Evidence Modeling of protein sequence and biophysical properties (such as structural, functional, and spatial information, amino acid conservation, physicochemical variation, residue mobility, and thermodynamic stability) indicates that this missense variant is not expected to disrupt RYR2 protein function with a negative predictive value of 95%. In summary, the available evidence is currently insufficient to determine the role of this variant in disease. Therefore, it has been classified as a Variant of Uncertain Significance.

Ambry Genetics
Classification: Uncertain significance for Cardiovascular phenotype. Last evaluated: 2024-05-29. Review status: criteria provided, single submitter. Criteria: Ambry Variant Classification Scheme 2023. Collection method: clinical testing. Allele origin: germline.

All of Us Research Program, National Institutes of Health
Classification: Uncertain significance for Catecholaminergic polymorphic ventricular tachycardia. Last evaluated: 2024-01-11. Review status: criteria provided, single submitter. Criteria: ACMG Guidelines, 2015. Collection method: clinical testing. Allele origin: germline. Inheritance: Autosomal dominant inheritance. Observed: 3 variant alleles, 3 heterozygotes.
Comment: This missense variant replaces histidine with asparagine at codon 836 of the RYR2 protein. Computational prediction suggests that this variant may not impact protein structure and function (internally defined REVEL score threshold <= 0.5, PMID: 27666373). To our knowledge, functional studies have not been reported for this variant. This variant has not been reported in individuals affected with cardiovascular disorders in the literature. This variant has been identified in 2/31384 chromosomes in the general population by the Genome Aggregation Database (gnomAD). The available evidence is insufficient to determine the role of this variant in disease conclusively. Therefore, this variant is classified as a Variant of Uncertain Significance.

This study involves interpretation of variants in research participants for the purpose of population health screening. Participant phenotype was not available at the time of variant classification. Additional details can be found in publication PMID: 35346344, PMCID: PMC8962531

Color Diagnostics, LLC DBA Color Health
Classification: Uncertain significance for Cardiomyopathy. Last evaluated: 2023-03-01. Review status: criteria provided, single submitter. Criteria: ACMG Guidelines, 2015. Collection method: clinical testing. Allele origin: germline.
Comment: This missense variant replaces histidine with asparagine at codon 836 of the RYR2 protein. Computational prediction suggests that this variant may not impact protein structure and function (internally defined REVEL score threshold <= 0.5, PMID: 27666373). To our knowledge, functional studies have not been reported for this variant. This variant has not been reported in individuals affected with RYR2-related disorders in the literature. This variant has been identified in 2/31384 chromosomes in the general population by the Genome Aggregation Database (gnomAD). The available evidence is insufficient to determine the role of this variant in disease conclusively. Therefore, this variant is classified as a Variant of Uncertain Significance.